The following is an entry in ClinVar:

ClinVar aggregate classification (germline): Uncertain significance (1 of 4 stars; one submission).

Conditions:
SAMD9L-related disorder. Also called: SAMD9L-related condition; SAMD9L-related disorders.

Allele frequency attached by ClinVar (database versions not stated): gnomAD exomes below 0.00001.

Submission:

PreventionGenetics, part of Exact Sciences
Classification: Uncertain significance for SAMD9L-related condition. Last evaluated: 2023-05-25. Review status: criteria provided, single submitter. Criteria: ACMG Guidelines, 2015. Collection method: clinical testing. Allele origin: germline.
Comment: The SAMD9L c.1859C>T variant is predicted to result in the amino acid substitution p.Thr620Ile. To our knowledge, this variant has not been reported in the literature or in a large population database, indicating this variant is rare. At this time, the clinical significance of this variant is uncertain due to the absence of conclusive functional and genetic evidence.

NM_152703.5(SAMD9L):c.1859C>T (p.Thr620Ile)

Gene: SAMD9L (sterile alpha motif domain containing 9 like; minus strand). Cytogenetic location: 7q21.2.
Variant type: single nucleotide variant.
Coding change: c.1859C>T on transcript NM_152703.5 (MANE Select); coding-DNA position 1859, C replaced by T.
Protein change: p.Thr620Ile; replaces threonine 620 with isoleucine.
Molecular consequence: missense variant.
Genome position (GRCh38, 1-based): chr7:93,134,113, G>A on the plus strand (C>T on the coding strand, the complement: SAMD9L is on the minus strand). VCF-style: chr7-93134113-G-A. GRCh37 (hg19) VCF-style: chr7-92763426-G-A.
Other names: c.1859C>T, p.Thr620Ile (NM_001303496.3, NM_001303497.3, NM_001303498.3 and 5 more transcripts); short protein forms T620I.
Identifiers: ClinVar variation 2632172 (VCV002632172.1), dbSNP rs2535424663, ClinGen allele CA368194282.
Genomic context (GRCh38, chr7:93,134,113, plus strand): 5'-GATCCACGGGCGGGCAAAAACCTTCTTGATGACCGAGTCACCGATTTTAGTTTAAGGATA[G>A]TGCTGTTTACCAGTTCTATATTTAAAGTGGAAATACTGTGGTTTGTTAGTTCATCTTCCA-3'
Protein context (NP_689916.2, residues 610-630): STLNIELVNS[Thr620Ile]ILKLKSVTRS